The following is an entry in ClinVar:

NM_002087.4(GRN):c.1179+6T>C

Gene: GRN (granulin precursor; plus strand). Cytogenetic location: 17q21.31.
Variant type: single nucleotide variant.
Coding change: c.1179+6T>C on transcript NM_002087.4 (MANE Select); 6 bases into the intron after coding-DNA position 1179, T replaced by C.
Molecular consequence: intron variant.
Genome position (GRCh38, 1-based): chr17:44,351,801, T>C. VCF-style: chr17-44351801-T-C. GRCh37 (hg19) VCF-style: chr17-42429169-T-C.
Identifiers: ClinVar variation 323535 (VCV000323535.7), dbSNP rs765761482, ClinGen allele CA8602115.

ClinVar aggregate classification (germline): Uncertain significance. Review status: criteria provided, multiple submitters, no conflicts (2 of 4 stars). 2 submissions from 2 submitters: Uncertain significance (2). Last evaluated 2024-08-31.

Conditions:
GRN-related frontotemporal lobar degeneration with Tdp43 inclusions (FTD2). Also called: DEMENTIA, HEREDITARY DYSPHASIC DISINHIBITION; FRONTOTEMPORAL LOBAR DEGENERATION WITH UBIQUITIN-POSITIVE INCLUSIONS; FTLD-TDP, GRN-RELATED; GRN Frontotemporal Dementia; FRONTOTEMPORAL DEMENTIA WITH TDP43 INCLUSIONS, GRN-RELATED. Identifiers: Orphanet 100070, Orphanet 282, MedGen C1843792, MONDO:0011842, OMIM 607485. Disease mechanism: loss of function.
Neuronal ceroid lipofuscinosis 11. Also called: GRN-Related Neuronal Ceroid-Lipofuscinosis. Identifiers: Orphanet 314629, Orphanet 79262, MedGen C3539123, MONDO:0013866, OMIM 614706.

Allele frequency attached by ClinVar (database versions not stated): gnomAD exomes below 0.00001; ExAC 0.00001.
gnomAD v4.1: 9 of 1,612,552 alleles (0.00056%); highest among the groups gnomAD compares: African/African-American, 0.0013%; no homozygotes.

Submissions (2):

Labcorp Genetics (formerly Invitae), Labcorp
Classification: Uncertain significance for Neuronal ceroid lipofuscinosis 11; GRN-related frontotemporal lobar degeneration with Tdp43 inclusions. Last evaluated: 2024-08-31. Review status: criteria provided, single submitter. Criteria: Invitae Variant Classification Sherloc (09022015). Collection method: clinical testing. Allele origin: germline.
Comment: This sequence change falls in intron 10 of the GRN gene. It does not directly change the encoded amino acid sequence of the GRN protein. It affects a nucleotide within the consensus splice site. This variant is present in population databases (rs765761482, gnomAD 0.0009%). This variant has not been reported in the literature in individuals affected with GRN-related conditions. ClinVar contains an entry for this variant (Variation ID: 323535). Variants that disrupt the consensus splice site are a relatively common cause of aberrant splicing (PMID: 17576681, 9536098). Algorithms developed to predict the effect of sequence changes on RNA splicing suggest that this variant is not likely to affect RNA splicing. In summary, the available evidence is currently insufficient to determine the role of this variant in disease. Therefore, it has been classified as a Variant of Uncertain Significance.

Illumina Laboratory Services, Illumina
Classification: Uncertain significance for GRN-related frontotemporal lobar degeneration with Tdp43 inclusions. Last evaluated: 2018-01-12. Review status: criteria provided, single submitter. Criteria: ICSL Variant Classification Criteria 13 December 2019. Collection method: clinical testing. Allele origin: germline.

Literature cited by the submitters: PubMed 17576681 (cited by Labcorp Genetics (formerly Invitae), Labcorp); PubMed 9536098 (cited by Labcorp Genetics (formerly Invitae), Labcorp).